The following is an entry in ClinVar:

NM_004982.4(KCNJ8):c.1238T>C (p.Met413Thr)

Genes: KCNJ8 (potassium inwardly rectifying channel subfamily J member 8; minus strand), KCNJ8-AS1 (KCNJ8 antisense RNA 1; plus strand). Cytogenetic location: 12p12.1.
Variant type: single nucleotide variant.
Coding change: c.1238T>C on transcript NM_004982.4 (MANE Select); coding-DNA position 1238, T replaced by C.
Protein change: p.Met413Thr; replaces methionine 413 with threonine.
Molecular consequence: missense variant.
Genome position (GRCh38, 1-based): chr12:21,765,760, A>G on the plus strand (T>C on the coding strand, the complement: KCNJ8 is on the minus strand). VCF-style: chr12-21765760-A-G. GRCh37 (hg19) VCF-style: chr12-21918694-A-G.
Other names: short protein forms M413T.
Identifiers: ClinVar variation 3897436 (VCV003897436.1).

ClinVar aggregate classification (germline): Uncertain significance (1 of 4 stars; one submission).

Submission:

GeneDx
Classification: Uncertain significance. Last evaluated: 2024-10-31. Review status: criteria provided, single submitter. Criteria: GeneDx Variant Classification Process June 2021. Collection method: clinical testing. Allele origin: germline. Affected: yes.
Comment: In silico analysis indicates that this missense variant does not alter protein structure/function; Has not been previously published as pathogenic or benign to our knowledge; Variants in candidate genes are classified as variants of uncertain significance in accordance with ACMG guidelines (PMID: 25741868)